The following is an entry in ClinVar:

ClinVar aggregate classification (germline): Uncertain significance (1 of 4 stars; one submission).

Submission:

Ambry Genetics
Classification: Uncertain significance. Last evaluated: 2022-07-15. Review status: criteria provided, single submitter. Criteria: Ambry Variant Classification Scheme 2023. Collection method: clinical testing. Allele origin: germline.
Comment: The p.N4032D variant (also known as c.12094A>G), located in coding exon 85 of the PRKDC gene, results from an A to G substitution at nucleotide position 12094. The asparagine at codon 4032 is replaced by aspartic acid, an amino acid with highly similar properties. This amino acid position is conserved. In addition, this alteration is predicted to be tolerated by in silico analysis. Since supporting evidence is limited at this time, the clinical significance of this alteration remains unclear.

NM_006904.7(PRKDC):c.12094A>G (p.Asn4032Asp)

Gene: PRKDC (protein kinase, DNA-activated, catalytic subunit; minus strand). Cytogenetic location: 8q11.21.
Variant type: single nucleotide variant.
Coding change: c.12094A>G on transcript NM_006904.7 (MANE Select); coding-DNA position 12094, A replaced by G.
Protein change: p.Asn4032Asp; replaces asparagine 4032 with aspartic acid.
Molecular consequence: missense variant.
Genome position (GRCh38, 1-based): chr8:47,776,932, T>C on the plus strand (A>G on the coding strand, the complement: PRKDC is on the minus strand). VCF-style: chr8-47776932-T-C. GRCh37 (hg19) VCF-style: chr8-48689493-T-C.
Other names: c.12001A>G, p.Asn4001Asp (NM_001081640.2); short protein forms N4001D, N4032D.
Identifiers: ClinVar variation 1749414 (VCV001749414.2), dbSNP rs2551859523, ClinGen allele CA371127141.